The following is an entry in ClinVar:

NM_015981.4(CAMK2A):c.816G>A (p.Ser272=)

Gene: CAMK2A (calcium/calmodulin dependent protein kinase II alpha; minus strand). Cytogenetic location: 5q32.
Variant type: single nucleotide variant.
Coding change: c.816G>A on transcript NM_015981.4 (MANE Select); coding-DNA position 816, G replaced by A.
Protein change: p.Ser272=; no amino-acid change (serine 272 retained).
Molecular consequence: synonymous variant.
Genome position (GRCh38, 1-based): chr5:150,250,688, C>T on the plus strand (G>A on the coding strand, the complement: CAMK2A is on the minus strand). VCF-style: chr5-150250688-C-T. GRCh37 (hg19) VCF-style: chr5-149630251-C-T.
Other names: c.816G>A, p.Ser272= (NM_001363989.1, NM_001363990.1, NM_001369025.2 and 1 more transcripts).
Identifiers: ClinVar variation 1327319 (VCV001327319.5), dbSNP rs2150279471, ClinGen allele CA447159379.

ClinVar aggregate classification (germline): Uncertain significance. Review status: criteria provided, multiple submitters, no conflicts (2 of 4 stars). 3 submissions from 3 submitters: Uncertain significance (3). Last evaluated 2022-09-28.

Conditions:
Autism spectrum disorder. Also called: Autism spectrum disorders. Identifiers: MedGen C1510586, MeSH D000067877, MONDO:0005258.
Intellectual developmental disorder, autosomal recessive 63. Also called: Intellectual disability, autosomal recessive 63; MENTAL RETARDATION, AUTOSOMAL RECESSIVE 63. Identifiers: MedGen C4748167, MONDO:0054861, OMIM 618095.

Submissions (3):

Laboratorio de Genetica e Diagnostico Molecular, Hospital Israelita Albert Einstein
Classification: Uncertain significance for Intellectual developmental disorder, autosomal recessive 63. Last evaluated: 2022-09-28. Review status: criteria provided, single submitter. Criteria: ACMG Guidelines, 2015. Collection method: clinical testing. Allele origin: germline. Affected: yes.
Comment: ACMG classification criteria: PM2 moderated, PP3 supporting

Department of Genetics, Rouen University Hospital, Normandy Center for Genomic and Personalized Medicine
Classification: Uncertain significance for Autism spectrum disorder. Last evaluated: 2022-08-25. Review status: criteria provided, single submitter. Criteria: ACMG Guidelines, 2015. Collection method: clinical testing. Allele origin: de novo. Affected: yes.

GeneDx
Classification: Uncertain significance. Last evaluated: 2021-06-03. Review status: criteria provided, single submitter. Criteria: GeneDx Variant Classification Process June 2021. Collection method: clinical testing. Allele origin: germline. Affected: yes.
Comment: Not observed at significant frequency in large population cohorts (Lek et al., 2016); Has not been previously published as pathogenic or benign to our knowledge; In-silico analysis, which includes splice predictors and evolutionary conservation, is inconclusive as to whether the variant alters gene splicing. In the absence of RNA/functional studies, the actual effect of this sequence change is unknown.; This variant is associated with the following publications: (PMID: 27535533)